The following is an entry in ClinVar:

ClinVar aggregate classification (germline): Conflicting classifications of pathogenicity. Review status: criteria provided, conflicting classifications (1 of 4 stars). 2 submissions from 2 submitters: Uncertain significance (1); Benign (1). Last evaluated 2023-08-17.

Allele frequency attached by ClinVar (database versions not stated): ExAC 0.00001; gnomAD 0.00001; gnomAD exomes 0.00001; TOPMed 0.00003.
gnomAD v4.1: 18 of 1,613,736 alleles (0.0011%); highest among the groups gnomAD compares: Admixed American, 0.0017%; no homozygotes.

Submissions (2):

Labcorp Genetics (formerly Invitae), Labcorp
Classification: Benign. Last evaluated: 2023-08-17. Review status: criteria provided, single submitter. Criteria: Invitae Variant Classification Sherloc (09022015). Collection method: clinical testing. Allele origin: germline.

GeneDx
Classification: Uncertain significance. Last evaluated: 2021-04-23. Review status: criteria provided, single submitter. Criteria: GeneDx Variant Classification Process June 2021. Collection method: clinical testing. Allele origin: germline. Affected: yes.
Comment: In silico analysis supports that this missense variant has a deleterious effect on protein structure/function; Has not been previously published as pathogenic or benign to our knowledge

NM_001205293.3(CACNA1E):c.6641C>T (p.Pro2214Leu)

Gene: CACNA1E (calcium voltage-gated channel subunit alpha1 E; plus strand). Cytogenetic location: 1q25.3.
Variant type: single nucleotide variant.
Coding change: c.6641C>T on transcript NM_001205293.3 (MANE Select); coding-DNA position 6641, C replaced by T.
Protein change: p.Pro2214Leu; replaces proline 2214 with leucine.
Molecular consequence: missense variant.
Genome position (GRCh38, 1-based): chr1:181,798,533, C>T. VCF-style: chr1-181798533-C-T. GRCh37 (hg19) VCF-style: chr1-181767669-C-T.
Other names: c.6512C>T, p.Pro2171Leu (NM_000721.4); c.6455C>T, p.Pro2152Leu (NM_001205294.2); short protein forms P2152L, P2171L, P2214L.
Identifiers: ClinVar variation 1302288 (VCV001302288.9), dbSNP rs767278261, ClinGen allele CA1276466.
Genomic context (GRCh38, chr1:181,798,533, plus strand): 5'-CGCTGACCTCCCAAGCTCTGGAGAGCAACAATGCTTGCCTGACCGAGTCTTCCAACTCTC[C>T]GCACCCCCAGCAGAGCCAACATGCCTCCCCACAGCGCTACATCTCCGAGCCCTACTTGGC-3'
Protein context (NP_001192222.1, residues 2204-2224): NACLTESSNS[Pro2214Leu]HPQQSQHASP